The following is an entry in ClinVar:

NM_000053.4(ATP7B):c.399del (p.Trp133fs)

Gene: ATP7B (ATPase copper transporting beta; minus strand). Cytogenetic location: 13q14.3.
Variant type: Deletion.
Coding change: c.399del on transcript NM_000053.4 (MANE Select); coding-DNA position 399, one base deleted (G; older notation c.399delG).
Protein change: p.Trp133fs; shifts the reading frame from tryptophan 133.
Molecular consequence: frameshift variant.
Genome position (GRCh38, 1-based): chr13:51,974,821, C deleted on the plus strand (G on the coding strand, the reverse complement: ATP7B is on the minus strand); the first of 2 consecutive C bases (chr13:51,974,821-51,974,822); deleting either gives the same sequence. VCF-style (leftmost placement, unchanged base first): chr13-51974820-GC-G. GRCh37 (hg19) VCF-style: chr13-52548956-GC-G.
Other names: c.399del, p.Trp133fs (NM_001005918.3, NM_001243182.2, NM_001330578.2 and 1 more transcripts); short protein forms W133fs.
Identifiers: ClinVar variation 817145 (VCV000817145.1), dbSNP rs1345848733, ClinGen allele CA610425837.

ClinVar aggregate classification (germline): Likely pathogenic (1 of 4 stars; one submission).

Submission:

GeneDx
Classification: Likely pathogenic. Last evaluated: 2018-07-02. Review status: criteria provided, single submitter. Criteria: GeneDx Variant Classification (06012015). Collection method: clinical testing. Allele origin: germline. Affected: yes.
Comment: The c.399delG variant in the ATP7B gene has not been reported previously as a pathogenic variant nor as a benign variant, to our knowledge. However, a nonsense variant at this same codon (W133X) has been reported in an individual with Wilson disease, however additional information on if a second ATP7B variant was seen in this individual was not provided (Cheng et al., 2017). The c.399delG variant causes a frameshift starting with codon Tryptophan 133, changes this amino acid to a Cysteine residue, and creates a premature Stop codon at position 20 of the new reading frame, denoted p.Trp133CysfsX20. This variant is predicted to cause loss of normal protein function either through protein truncation or nonsense-mediated mRNA decay. The c.399delG variant is not observed at a significant frequency in large population cohorts (Lek et al., 2016). We interpret c.399delG as a likely pathogenic variant.